The following is an entry in ClinVar:

NM_000059.4(BRCA2):c.4945A>G (p.Lys1649Glu)

Gene: BRCA2 (BRCA2 DNA repair associated; plus strand). Cytogenetic location: 13q13.1.
Variant type: single nucleotide variant.
Coding change: c.4945A>G on transcript NM_000059.4 (MANE Select); coding-DNA position 4945, A replaced by G.
Protein change: p.Lys1649Glu; replaces lysine 1649 with glutamic acid.
Molecular consequence: missense variant.
Genome position (GRCh38, 1-based): chr13:32,339,300, A>G. VCF-style: chr13-32339300-A-G. GRCh37 (hg19) VCF-style: chr13-32913437-A-G.
Other names: short protein forms K1649E.
Identifiers: ClinVar variation 941299 (VCV000941299.13), dbSNP rs763743962, ClinGen allele CA6940831.

ClinVar aggregate classification (germline): Conflicting classifications of pathogenicity. Review status: criteria provided, conflicting classifications (1 of 4 stars). 3 submissions from 3 submitters: Uncertain significance (2); Likely benign (1). Last evaluated 2023-08-05.

Conditions:
Hereditary breast ovarian cancer syndrome. Also called: Hereditary breast and/or ovarian cancer syndrome; Hereditary breast and ovarian cancer syndrome; Hereditary breast and ovarian cancer; Hereditary breast and ovarian cancer syndrome (HBOC); Breast and ovarian cancer; BRCA1- and BRCA2-Associated Hereditary Breast and Ovarian Cancer. Identifiers: Orphanet 145, MedGen C0677776, MeSH D061325, MONDO:0003582. Disease mechanism: loss of function.
Hereditary cancer-predisposing syndrome. Also called: Hereditary neoplastic syndrome; Neoplastic Syndromes, Hereditary; Tumor predisposition; Hereditary Cancer Syndrome. Identifiers: Orphanet 140162, MedGen C0027672, MeSH D009386, MONDO:0015356.

Allele frequency attached by ClinVar (database versions not stated): gnomAD exomes below 0.00001; ExAC 0.00001.
gnomAD v4.1: 1 of 1,605,138 alleles (0.000062%); highest among the groups gnomAD compares: Non-Finnish European, 0.000085%; no homozygotes.

Submissions (3):

Ambry Genetics
Classification: Uncertain significance for Hereditary cancer-predisposing syndrome. Last evaluated: 2023-08-05. Review status: criteria provided, single submitter. Criteria: Ambry Variant Classification Scheme 2023. Collection method: clinical testing. Allele origin: germline.
Comment: The p.K1649E variant (also known as c.4945A>G), located in coding exon 10 of the BRCA2 gene, results from an A to G substitution at nucleotide position 4945. The lysine at codon 1649 is replaced by glutamic acid, an amino acid with similar properties. This amino acid position is conserved. In addition, this alteration is predicted to be tolerated by in silico analysis. Since supporting evidence is limited at this time, the clinical significance of this alteration remains unclear.

University of Washington Department of Laboratory Medicine, University of Washington
Classification: Likely benign for Hereditary cancer-predisposing syndrome. Last evaluated: 2023-03-23. Review status: criteria provided, single submitter. Criteria: Dines et al. (Genet Med. 2020). Collection method: curation. Allele origin: germline.
Comment: Missense variant in a coldspot region where missense variants are very unlikely to be pathogenic (PMID:31911673).

BRCA2 exon 11 coldspot. Reclassification based on statistical prior probability.

Labcorp Genetics (formerly Invitae), Labcorp
Classification: Uncertain significance for Hereditary breast ovarian cancer syndrome. Last evaluated: 2019-05-11. Review status: criteria provided, single submitter. Criteria: Invitae Variant Classification Sherloc (09022015). Collection method: clinical testing. Allele origin: germline.
Comment: In summary, the available evidence is currently insufficient to determine the role of this variant in disease. Therefore, it has been classified as a Variant of Uncertain Significance. Algorithms developed to predict the effect of missense changes on protein structure and function output the following: SIFT: "Tolerated"; PolyPhen-2: "Benign"; Align-GVGD: "Class C0". The glutamic acid amino acid residue is found in multiple mammalian species, suggesting that this missense change does not adversely affect protein function. These predictions have not been confirmed by published functional studies and their clinical significance is uncertain. This variant has not been reported in the literature in individuals with BRCA2-related conditions. This variant is present in population databases (rs763743962, ExAC 0.002%). This sequence change replaces lysine with glutamic acid at codon 1649 of the BRCA2 protein (p.Lys1649Glu). The lysine residue is weakly conserved and there is a small physicochemical difference between lysine and glutamic acid.